The following is an entry in ClinVar:

ClinVar aggregate classification (germline): Likely benign. Review status: criteria provided, multiple submitters, no conflicts (2 of 4 stars). 2 submissions from 2 submitters: Likely benign (2). Last evaluated 2025-09-08.

Conditions:
Pheochromocytoma/paraganglioma syndrome 4. Also called: CAROTID BODY TUMORS AND MULTIPLE EXTRAADRENAL PHEOCHROMOCYTOMAS; PARAGANGLIOMA, FAMILIAL MALIGNANT; PARAGANGLIOMAS, HEREDITARY EXTRAADRENAL; PHEOCHROMOCYTOMA, FAMILIAL EXTRAADRENAL; Paragangliomas 4; SDHB-Related Hereditary Paraganglioma-Pheochromocytoma Syndrome (Paragangliomas 4). Identifiers: Orphanet 29072, MedGen C1861848, MONDO:0007273, OMIM 115310.
Pheochromocytoma. Also called: MAX-Related Hereditary Paraganglioma-Pheochromocytoma Syndrome. Identifiers: Orphanet 29072, MedGen C0031511, MONDO:0008233, OMIM 171300, HP:0002666.
Gastrointestinal stromal tumor. Also called: Gastrointestinal stromal tumor, somatic; Gastrointestinal stroma tumor. Identifiers: Orphanet 44890, MedGen C0238198, MeSH D046152, MONDO:0011719, OMIM 606764, HP:0100723.

Allele frequency attached by ClinVar (database versions not stated): TOPMed below 0.00001; gnomAD exomes 0.00001.
gnomAD v4.1: 16 of 1,610,344 alleles (0.00099%); highest among the groups gnomAD compares: Non-Finnish European, 0.0014%; no homozygotes.

Submissions (2):

Labcorp Genetics (formerly Invitae), Labcorp
Classification: Likely benign for Gastrointestinal stromal tumor; Pheochromocytoma/paraganglioma syndrome 4; Pheochromocytoma. Last evaluated: 2025-09-08. Review status: criteria provided, single submitter. Criteria: Invitae Variant Classification Sherloc (09022015). Collection method: clinical testing. Allele origin: germline.

Myriad Genetics, Inc.
Classification: Likely benign for Pheochromocytoma/paraganglioma syndrome 4. Last evaluated: 2025-03-12. Review status: criteria provided, single submitter. Criteria: Myriad Autosomal Dominant, Autosomal Recessive and X-Linked Classification Criteria (2023). Collection method: clinical testing. Allele origin: unknown.
Comment: This variant is considered likely benign. This variant is intronic and is not expected to impact mRNA splicing.

NM_003000.3(SDHB):c.72+8C>T

Genes: SDHB (succinate dehydrogenase complex iron sulfur subunit B; minus strand), LOC129929542 (ATAC-STARR-seq lymphoblastoid active region 277; plus strand). Cytogenetic location: 1p36.13.
Variant type: single nucleotide variant.
Coding change: c.72+8C>T on transcript NM_003000.3 (MANE Select); 8 bases into the intron after coding-DNA position 72, C replaced by T.
Molecular consequence: intron variant.
Genome position (GRCh38, 1-based): chr1:17,053,940, G>A on the plus strand (C>T on the coding strand, the complement: SDHB is on the minus strand). VCF-style: chr1-17053940-G-A. GRCh37 (hg19) VCF-style: chr1-17380435-G-A.
Identifiers: ClinVar variation 1591128 (VCV001591128.9), dbSNP rs1570963404, ClinGen allele CA1156101832.
Genomic context (GRCh38, chr1:17,053,940, plus strand): 5'-GCCCCATCAGCTCCAGGCAGTCTCTGTGGCTTTCCTGACTTTTCCCTCTCTGAGGCTCCA[G>A]GACTCACCTGCAGGCAGGCTCCGCCAAGGGTTGTGGCCGGCAACCGGCGCCTCAAGGAGA-3'